The following is an entry in ClinVar:

ClinVar aggregate classification (germline): Likely pathogenic (1 of 4 stars; one submission).

Conditions:
Seizures, benign familial infantile, 3 (BFIS3). Also called: CONVULSIONS, BENIGN FAMILIAL INFANTILE, 3; Familial neonatal seizures. Identifiers: Orphanet 140927, Orphanet 306, MedGen C1843140, MONDO:0011904, OMIM 607745.
Developmental and epileptic encephalopathy, 11 (DEE11). Also called: Early infantile epileptic encephalopathy 11. Identifiers: Orphanet 1934, MedGen C3150987, MONDO:0013388, OMIM 613721.

Submission:

Labcorp Genetics (formerly Invitae), Labcorp
Classification: Likely pathogenic for Seizures, benign familial infantile, 3; Developmental and epileptic encephalopathy, 11. Last evaluated: 2025-10-02. Review status: criteria provided, single submitter. Criteria: Invitae Variant Classification Sherloc (09022015). Collection method: clinical testing. Allele origin: germline.
Comment: This sequence change replaces methionine, which is neutral and non-polar, with isoleucine, which is neutral and non-polar, at codon 1490 of the SCN2A protein (p.Met1490Ile). This variant is not present in population databases (gnomAD no frequency). This variant has not been reported in the literature in individuals affected with SCN2A-related conditions. ClinVar contains an entry for this variant (Variation ID: 1980613). Invitae Evidence Modeling of protein sequence and biophysical properties (such as structural, functional, and spatial information, amino acid conservation, physicochemical variation, residue mobility, and thermodynamic stability) indicates that this missense variant is expected to disrupt SCN2A protein function with a positive predictive value of 95%. This variant disrupts the p.Met1490 amino acid residue in SCN2A. Other variant(s) that disrupt this residue have been determined to be pathogenic (PMID: 28554332, 31487502; internal data). This suggests that this residue is clinically significant, and that variants that disrupt this residue are likely to be disease-causing. In summary, the currently available evidence indicates that the variant is pathogenic, but additional data are needed to prove that conclusively. Therefore, this variant has been classified as Likely Pathogenic.

Literature cited by the submitters: PubMed 28554332; PubMed 31487502.

NM_001040142.2(SCN2A):c.4470G>C (p.Met1490Ile)

Gene: SCN2A (sodium voltage-gated channel alpha subunit 2; plus strand). Cytogenetic location: 2q24.3.
Variant type: single nucleotide variant.
Coding change: c.4470G>C on transcript NM_001040142.2 (MANE Select); coding-DNA position 4470, G replaced by C.
Protein change: p.Met1490Ile; replaces methionine 1490 with isoleucine.
Molecular consequence: missense variant.
Genome position (GRCh38, 1-based): chr2:165,381,116, G>C. VCF-style: chr2-165381116-G-C. GRCh37 (hg19) VCF-style: chr2-166237626-G-C.
Other names: c.4470G>C, p.Met1490Ile (NM_001040143.2, NM_001371246.1, NM_001371247.1 and 1 more transcripts); short protein forms M1490I.
Identifiers: ClinVar variation 1980613 (VCV001980613.4), dbSNP rs1391295040, ClinGen allele CA349034612.
Genomic context (GRCh38, chr2:165,381,116, plus strand): 5'-AACACAATTTTAACAAGTGTTGCTTTCATTTCTTTACTTTGGAGGTCAAGACATTTTTAT[G>C]ACAGAAGAACAGAAGAAATACTACAATGCAATGAAAAAACTGGGTTCAAAGAAACCACAA-3'
Protein context (NP_001035232.1, residues 1480-1500): KKKFGGQDIF[Met1490Ile]TEEQKKYYNA